The following is an entry in ClinVar:

NM_000065.5(C6):c.821A>G (p.Gln274Arg)

Gene: C6 (complement C6; minus strand). Cytogenetic location: 5p13.1.
Variant type: single nucleotide variant.
Coding change: c.821A>G on transcript NM_000065.5 (MANE Select); coding-DNA position 821, A replaced by G.
Protein change: p.Gln274Arg; replaces glutamine 274 with arginine.
Molecular consequence: missense variant.
Genome position (GRCh38, 1-based): chr5:41,181,465, T>C on the plus strand (A>G on the coding strand, the complement: C6 is on the minus strand). VCF-style: chr5-41181465-T-C. GRCh37 (hg19) VCF-style: chr5-41181567-T-C.
Other names: c.821A>G (NM_000065.2); c.821A>G, p.Gln274Arg (NM_001115131.4); short protein forms Q274R.
Identifiers: ClinVar variation 1371270 (VCV001371270.6), dbSNP rs199795699, ClinGen allele CA3252649.

ClinVar aggregate classification (germline): Uncertain significance. Review status: criteria provided, multiple submitters, no conflicts (2 of 4 stars). 2 submissions from 2 submitters: Uncertain significance (2). Last evaluated 2025-08-14.

Conditions:
Inborn genetic diseases. Identifiers: MedGen C0950123, MeSH D030342.

Allele frequency attached by ClinVar (database versions not stated): ExAC 0.00010; gnomAD 0.00012 and 0.00014; 1000 Genomes Project 0.00060.
gnomAD v4.1: 107 of 1,612,820 alleles (0.0066%); highest among the groups gnomAD compares: Middle Eastern, 0.066%; no homozygotes.

Submissions (2):

Ambry Genetics
Classification: Uncertain significance for Inborn genetic diseases. Last evaluated: 2025-08-14. Review status: criteria provided, single submitter. Criteria: Ambry Variant Classification Scheme 2023. Collection method: clinical testing. Allele origin: germline.

Labcorp Genetics (formerly Invitae), Labcorp
Classification: Uncertain significance. Last evaluated: 2025-01-13. Review status: criteria provided, single submitter. Criteria: Invitae Variant Classification Sherloc (09022015). Collection method: clinical testing. Allele origin: germline.
Comment: This sequence change replaces glutamine, which is neutral and polar, with arginine, which is basic and polar, at codon 274 of the C6 protein (p.Gln274Arg). This variant is present in population databases (rs199795699, gnomAD 0.02%). This variant has not been reported in the literature in individuals affected with C6-related conditions. ClinVar contains an entry for this variant (Variation ID: 1371270). An algorithm developed to predict the effect of missense changes on protein structure and function outputs the following: PolyPhen-2: "Benign". The arginine amino acid residue is found in multiple mammalian species, which suggests that this missense change does not adversely affect protein function. In summary, the available evidence is currently insufficient to determine the role of this variant in disease. Therefore, it has been classified as a Variant of Uncertain Significance.